The following is an entry in ClinVar:

ClinVar aggregate classification (germline): Benign/Likely benign. Review status: criteria provided, multiple submitters, no conflicts (2 of 4 stars). 4 submissions from 4 submitters: Benign (1); Likely benign (2). 1 of the submissions does not count toward it. Last evaluated 2025-11-22.

Conditions:
KMT2D-related disorder. Also called: KMT2D-Related Disorders.
Inborn genetic diseases. Identifiers: MedGen C0950123, MeSH D030342.
Kabuki syndrome. Also called: NIIKAWA-KUROKI SYNDROME; Kabuki make-up syndrome. Identifiers: Orphanet 2322, MedGen C0796004, MONDO:0016512.

Allele frequency attached by ClinVar (database versions not stated): gnomAD exomes 0.00002; TOPMed 0.00002; gnomAD 0.00003; ExAC 0.00007.
gnomAD v4.1: 37 of 1,595,774 alleles (0.0023%); highest among the groups gnomAD compares: Non-Finnish European, 0.00034%; no homozygotes.

Submissions (4):

Labcorp Genetics (formerly Invitae), Labcorp
Classification: Benign for Kabuki syndrome. Last evaluated: 2025-11-22. Review status: criteria provided, single submitter. Criteria: Invitae Variant Classification Sherloc (09022015). Collection method: clinical testing. Allele origin: germline.

Ambry Genetics
Classification: Likely benign for Inborn genetic diseases. Last evaluated: 2025-11-08. Review status: criteria provided, single submitter. Criteria: Ambry Variant Classification Scheme 2023. Collection method: clinical testing. Allele origin: germline.

CeGaT Center for Human Genetics Tuebingen
Classification: Likely benign. Last evaluated: 2025-02-01. Review status: criteria provided, single submitter. Criteria: CeGaT Center For Human Genetics Tuebingen Variant Classification Criteria Version 2. Collection method: clinical testing. Allele origin: germline. Affected: yes. Observed: 2 variant alleles.
Comment: KMT2D: BS1

PreventionGenetics, part of Exact Sciences
Classification: Likely benign for KMT2D-related condition. Last evaluated: 2022-03-28. Review status: no assertion criteria provided. Collection method: clinical testing. Allele origin: germline. Not counted in ClinVar's aggregate classification.
Comment: This variant is classified as likely benign based on ACMG/AMP sequence variant interpretation guidelines (Richards et al. 2015 PMID: 25741868, with internal and published modifications).

NM_003482.4(KMT2D):c.692T>C (p.Val231Ala)

Gene: KMT2D (lysine methyltransferase 2D; minus strand). Cytogenetic location: 12q13.12.
Variant type: single nucleotide variant.
Coding change: c.692T>C on transcript NM_003482.4 (MANE Select); coding-DNA position 692, T replaced by C.
Protein change: p.Val231Ala; replaces valine 231 with alanine.
Molecular consequence: missense variant.
Genome position (GRCh38, 1-based): chr12:49,053,623, A>G on the plus strand (T>C on the coding strand, the complement: KMT2D is on the minus strand). VCF-style: chr12-49053623-A-G. GRCh37 (hg19) VCF-style: chr12-49447406-A-G.
Other names: short protein forms V231A.
Identifiers: ClinVar variation 1917849 (VCV001917849.20), dbSNP rs765552604, ClinGen allele CA6548668.